The following is an entry in ClinVar:

ClinVar aggregate classification (germline): Pathogenic (1 of 4 stars; one submission).

Conditions:
Severe myoclonic epilepsy in infancy (DRVT). Also called: Epileptic encephalopathy, early infantile, 6 (Dravet syndrome); SEVERE MYOCLONIC EPILEPSY OF INFANCY; DEVELOPMENTAL AND EPILEPTIC ENCEPHALOPATHY 6A; Severe Myoclonic Epilepsy in Infancy (SMEI); Dravet syndrome. Identifiers: Orphanet 33069, MedGen C0751122, MONDO:0100135, OMIM 607208.

Submission:

Center for Bioinformatics, Peking University
Classification: Pathogenic for Dravet syndrome. Last evaluated: 2014-12-20. Review status: criteria provided, single submitter. Criteria: Xu et al. (Hum Mutat. 2015). Collection method: research. Allele origin: de novo. Affected: yes. Observed: 1 variant allele. Study: University Clinical Cooperation “985 Project” PKU-2014-1-1.
Comment: Dravet syndrome (DS) probands were recruited from the outpatient and inpatient child neurology units of Peking University First Hospital from 2005 till present. The study was approved by the Ethics Committee of Peking University First Hospital and the Institutional Review Board at Peking University. Participants or their parents provided written informed consent before enrollment. We collected a total of 267 mutations from 255 families with probands diagnosed with DS in China. All probands fulfilled the clinical diagnostic criteria.

NM_001165963.4(SCN1A):c.728C>A (p.Ser243Tyr)

Gene: SCN1A (sodium voltage-gated channel alpha subunit 1; minus strand). Cytogenetic location: 2q24.3.
Variant type: single nucleotide variant.
Coding change: c.728C>A on transcript NM_001165963.4 (MANE Select); coding-DNA position 728, C replaced by A.
Protein change: p.Ser243Tyr; replaces serine 243 with tyrosine.
Molecular consequence: missense variant. On other transcripts: 5 prime UTR variant (1), non-coding transcript variant (1).
Genome position (GRCh38, 1-based): chr2:166,051,955, G>T on the plus strand (C>A on the coding strand, the complement: SCN1A is on the minus strand). VCF-style: chr2-166051955-G-T. GRCh37 (hg19) VCF-style: chr2-166908465-G-T.
Other names: c.728C>A, p.Ser243Tyr (NM_001165964.3, NM_001202435.3, NM_001353948.2 and 10 more transcripts); c.-1698C>A (NM_001353961.2); short protein forms S243Y.
Identifiers: ClinVar variation 189915 (VCV000189915.1), dbSNP rs794726755, ClinGen allele CA303295.